The following is an entry in ClinVar:

ClinVar aggregate classification (germline): Benign. Review status: criteria provided, multiple submitters, no conflicts (2 of 4 stars). 3 submissions from 3 submitters: Benign (2). 1 of the submissions does not count toward it. Last evaluated 2026-01-29.

Conditions:
CDC42-related disorder. Also called: CDC42-related condition; CDC42-related disorders.

Submissions (3):

Labcorp Genetics (formerly Invitae), Labcorp
Classification: Benign. Last evaluated: 2026-01-29. Review status: criteria provided, single submitter. Criteria: Invitae Variant Classification Sherloc (09022015). Collection method: clinical testing. Allele origin: germline.

Women's Health and Genetics/Laboratory Corporation of America, LabCorp
Classification: Benign. Last evaluated: 2026-01-22. Review status: criteria provided, single submitter. Criteria: LabCorp Variant Classification Summary - May 2015. Collection method: clinical testing. Allele origin: germline.

PreventionGenetics, part of Exact Sciences
Classification: Likely benign for CDC42-related condition. Last evaluated: 2019-11-26. Review status: no assertion criteria provided. Collection method: clinical testing. Allele origin: germline. Not counted in ClinVar's aggregate classification.
Comment: This variant is classified as likely benign based on ACMG/AMP sequence variant interpretation guidelines (Richards et al. 2015 PMID: 25741868, with internal and published modifications).

NM_001791.4(CDC42):c.106-9dup

Gene: CDC42 (cell division cycle 42; plus strand). Cytogenetic location: 1p36.12.
Variant type: Duplication.
Coding change: c.106-9dup on transcript NM_001791.4 (MANE Select); 9 bases into the intron before coding-DNA position 106, one base duplicated (T; older notation c.106-9dupT).
Molecular consequence: intron variant.
Genome position (GRCh38, 1-based): chr1:22,081,713, T duplicated; the last of 7 consecutive T bases (chr1:22,081,707-22,081,713); duplicating any one gives the same sequence. VCF-style (leftmost placement, unchanged base first): chr1-22081706-A-AT. GRCh37 (hg19) VCF-style: chr1-22408199-A-AT.
Other names: c.106-9dup (NM_001039802.2, NM_044472.3); c.106-9dupT (NM_001791.4).
Identifiers: ClinVar variation 1165494 (VCV001165494.12), dbSNP rs201214894, ClinGen allele CA675070.